The following is an entry in ClinVar:

NM_015978.3(TNNI3K):c.2181G>A (p.Glu727=)

Genes: FPGT-TNNI3K (FPGT-TNNI3K readthrough; plus strand), LRRC53 (leucine rich repeat containing 53; minus strand), TNNI3K (TNNI3 interacting kinase; plus strand). Cytogenetic location: 1p31.1.
Variant type: single nucleotide variant.
Coding change: c.2181G>A on transcript NM_015978.3 (MANE Select); coding-DNA position 2181, G replaced by A.
Protein change: p.Glu727=; no amino-acid change (glutamic acid 727 retained).
Molecular consequence: synonymous variant. On other transcripts: intron variant (2).
Genome position (GRCh38, 1-based): chr1:74,489,248, G>A. VCF-style: chr1-74489248-G-A. GRCh37 (hg19) VCF-style: chr1-74954932-G-A.
Other names: c.2484G>A, p.Glu828= (NM_001112808.3); c.-8-8280C>T (NM_001364666.2); c.-26-5873C>T (NM_001382280.1).
Identifiers: ClinVar variation 3649650 (VCV003649650.2).

ClinVar aggregate classification (germline): Uncertain significance (1 of 4 stars; one submission).

Submission:

Labcorp Genetics (formerly Invitae), Labcorp
Classification: Uncertain significance. Last evaluated: 2025-08-09. Review status: criteria provided, single submitter. Criteria: Invitae Variant Classification Sherloc (09022015). Collection method: clinical testing. Allele origin: germline.
Comment: This sequence change affects codon 727 of the TNNI3K mRNA. It is a 'silent' change, meaning that it does not change the encoded amino acid sequence of the TNNI3K protein. This variant also falls at the last nucleotide of exon 22, which is part of the consensus splice site for this exon. This variant is not present in population databases (gnomAD no frequency). This variant has not been reported in the literature in individuals affected with TNNI3K-related conditions. ClinVar contains an entry for this variant (Variation ID: 3649650). Variants that disrupt the consensus splice site are a relatively common cause of aberrant splicing (PMID: 17576681, 9536098). Algorithms developed to predict the effect of sequence changes on RNA splicing suggest that this variant may disrupt the consensus splice site. In summary, the available evidence is currently insufficient to determine the role of this variant in disease. Therefore, it has been classified as a Variant of Uncertain Significance.

Literature cited by the submitters: PubMed 17576681; PubMed 9536098.